The following is an entry in ClinVar:

ClinVar aggregate classification (germline): Pathogenic (1 of 4 stars; one submission).

Conditions:
Osteogenesis imperfecta with normal sclerae, dominant form (OI4). Also called: Common Variable Osteogenesis Imperfecta with Normal Sclerae; OSTEOGENESIS IMPERFECTA, TYPE IV, WITH DENTINOGENESIS IMPERFECTA; Osteogenesis Imperfecta Type IV; OSTEOGENESIS IMPERFECTA WITH NORMAL SCLERAE; Osteogenesis imperfecta type 4. Identifiers: Orphanet 216820, Orphanet 666, MedGen C0268363, MONDO:0008148, OMIM 166220.

Submission:

Clinical Biomedical Laboratory, Shriners Hospital For Children - Canada
Classification: Pathogenic for Osteogenesis imperfecta with normal sclerae, dominant form. Last evaluated: 2025-07-16. Review status: criteria provided, single submitter. Criteria: ACMG Guidelines, 2015. Collection method: clinical testing. Allele origin: germline. Affected: yes.
Comment: This variant is predicted to substitute a glycine residue by an alanine residue in the alpha 2 chain of collagen type I. Glycine substitutions in the triple helical domain of collagen type I cause disruption in the formation of the triple helix in the collagen molecule and are a typical cause of osteogenesis imperfecta. This variant is absent from the Genome Aggregation Database v2.1.1, indicating it is very rare, This variant has been reported in the literature (PMID: 27509835) Prediction tools: (REVEL: 0.92) suggest that the change is detrimental to protein function.

Literature cited by the submitters: PubMed 27509835.

NM_000089.4(COL1A2):c.3278G>C (p.Gly1093Ala)

Gene: COL1A2 (collagen type I alpha 2 chain; plus strand). Cytogenetic location: 7q21.3.
Variant type: single nucleotide variant.
Coding change: c.3278G>C on transcript NM_000089.4 (MANE Select); coding-DNA position 3278, G replaced by C.
Protein change: p.Gly1093Ala; replaces glycine 1093 with alanine.
Molecular consequence: missense variant.
Genome position (GRCh38, 1-based): chr7:94,427,637, G>C. VCF-style: chr7-94427637-G-C. GRCh37 (hg19) VCF-style: chr7-94056949-G-C.
Other names: short protein forms G1093A.
Identifiers: ClinVar variation 4075355 (VCV004075355.1), dbSNP rs2115959468.